The following is an entry in ClinVar:

NM_003482.4(KMT2D):c.8814G>A (p.Pro2938=)

Gene: KMT2D (lysine methyltransferase 2D; minus strand). Cytogenetic location: 12q13.12.
Variant type: single nucleotide variant.
Coding change: c.8814G>A on transcript NM_003482.4 (MANE Select); coding-DNA position 8814, G replaced by A.
Protein change: p.Pro2938=; no amino-acid change (proline 2938 retained).
Molecular consequence: synonymous variant.
Genome position (GRCh38, 1-based): chr12:49,038,542, C>T on the plus strand (G>A on the coding strand, the complement: KMT2D is on the minus strand). VCF-style: chr12-49038542-C-T. GRCh37 (hg19) VCF-style: chr12-49432325-C-T.
Identifiers: ClinVar variation 2151529 (VCV002151529.5), dbSNP rs928915337, ClinGen allele CA479711045.

ClinVar aggregate classification (germline): Likely benign. Review status: criteria provided, multiple submitters, no conflicts (2 of 4 stars). 2 submissions from 2 submitters: Likely benign (2). Last evaluated 2025-11-19.

Conditions:
KMT2D-related disorder. Also called: KMT2D-Related Disorders.
Kabuki syndrome. Also called: NIIKAWA-KUROKI SYNDROME; Kabuki make-up syndrome. Identifiers: Orphanet 2322, MedGen C0796004, MONDO:0016512.

Allele frequency attached by ClinVar (database versions not stated): gnomAD 0.00001; gnomAD exomes 0.00001; TOPMed 0.00002.
gnomAD v4.1: 15 of 1,611,094 alleles (0.00093%); highest among the groups gnomAD compares: East Asian, 0.0045%; no homozygotes.

Submissions (2):

Labcorp Genetics (formerly Invitae), Labcorp
Classification: Likely benign for Kabuki syndrome. Last evaluated: 2025-11-19. Review status: criteria provided, single submitter. Criteria: Invitae Variant Classification Sherloc (09022015). Collection method: clinical testing. Allele origin: germline.

PreventionGenetics, part of Exact Sciences
Classification: Likely benign for KMT2D-related condition. Last evaluated: 2025-07-01. Review status: criteria provided, single submitter. Criteria: ACMG Guidelines, 2015. Collection method: clinical testing. Allele origin: germline.
Comment: This variant is classified as likely benign based on ACMG/AMP sequence variant interpretation guidelines (Richards et al. 2015 PMID: 25741868, with internal and published modifications).